The following is an entry in ClinVar:

NM_017534.6(MYH2):c.4276C>T (p.Arg1426Trp)

Genes: MYHAS (myosin heavy chain gene cluster antisense RNA; plus strand), MYH2 (myosin heavy chain 2; minus strand). Cytogenetic location: 17p13.1.
Variant type: single nucleotide variant.
Coding change: c.4276C>T on transcript NM_017534.6 (MANE Select); coding-DNA position 4276, C replaced by T.
Protein change: p.Arg1426Trp; replaces arginine 1426 with tryptophan.
Molecular consequence: missense variant.
Genome position (GRCh38, 1-based): chr17:10,525,788, G>A on the plus strand (C>T on the coding strand, the complement: MYH2 is on the minus strand). VCF-style: chr17-10525788-G-A. GRCh37 (hg19) VCF-style: chr17-10429105-G-A.
Other names: c.4276C>T, p.Arg1426Trp (NM_001100112.2); short protein forms R1426W.
Identifiers: ClinVar variation 1021021 (VCV001021021.5), dbSNP rs773071482, ClinGen allele CA8390676.

ClinVar aggregate classification (germline): Uncertain significance (1 of 4 stars; one submission).

Conditions:
Myopathy, proximal, and ophthalmoplegia (CMYO6). Also called: INCLUSION BODY MYOPATHY 3, AUTOSOMAL DOMINANT; MYOPATHY WITH CONGENITAL JOINT CONTRACTURES, OPHTHALMOPLEGIA, AND RIMMED VACUOLES; CONGENITAL MYOPATHY 6 WITH OPHTHALMOPLEGIA. Identifiers: Orphanet 363677, Orphanet 79091, MedGen C1854106, MONDO:0011577, OMIM 605637.

Allele frequency attached by ClinVar (database versions not stated): ExAC 0.00002; TOPMed 0.00002.
gnomAD v4.1: 12 of 1,614,142 alleles (0.00074%); highest among the groups gnomAD compares: East Asian, 0.0022%; no homozygotes.

Submission:

Labcorp Genetics (formerly Invitae), Labcorp
Classification: Uncertain significance for Myopathy, proximal, and ophthalmoplegia. Last evaluated: 2024-10-31. Review status: criteria provided, single submitter. Criteria: Invitae Variant Classification Sherloc (09022015). Collection method: clinical testing. Allele origin: germline.
Comment: This sequence change replaces arginine, which is basic and polar, with tryptophan, which is neutral and slightly polar, at codon 1426 of the MYH2 protein (p.Arg1426Trp). This variant is present in population databases (rs773071482, gnomAD 0.01%). This variant has not been reported in the literature in individuals affected with MYH2-related conditions. ClinVar contains an entry for this variant (Variation ID: 1021021). Invitae Evidence Modeling of protein sequence and biophysical properties (such as structural, functional, and spatial information, amino acid conservation, physicochemical variation, residue mobility, and thermodynamic stability) indicates that this missense variant is expected to disrupt MYH2 protein function with a positive predictive value of 80%. In summary, the available evidence is currently insufficient to determine the role of this variant in disease. Therefore, it has been classified as a Variant of Uncertain Significance.